The following is an entry in ClinVar:

ClinVar aggregate classification (germline): Likely pathogenic (1 of 4 stars; one submission).

Conditions:
Von Hippel-Lindau syndrome (VHLS). Also called: von Hippel–Lindau syndrome; VHL syndrome; Von Hippel-Lindau. Identifiers: Orphanet 892, MedGen C0019562, MONDO:0008667, OMIM 193300. Disease mechanism: loss of function.
Chuvash polycythemia. Also called: POLYCYTHEMIA, VHL-DEPENDENT. Identifiers: Orphanet 238557, MedGen C1837915, MONDO:0009892, OMIM 263400.

Submission:

Labcorp Genetics (formerly Invitae), Labcorp
Classification: Likely pathogenic for Von Hippel-Lindau syndrome; Chuvash polycythemia. Last evaluated: 2023-07-24. Review status: criteria provided, single submitter. Criteria: Invitae Variant Classification Sherloc (09022015). Collection method: clinical testing. Allele origin: germline.
Comment: In summary, the currently available evidence indicates that the variant is pathogenic, but additional data are needed to prove that conclusively. Therefore, this variant has been classified as Likely Pathogenic. This variant disrupts the p.Pro154 amino acid residue in VHL. Other variant(s) that disrupt this residue have been determined to be pathogenic (PMID: 7987306, 8956040, 14556007, 17024664, 20660572, 23143947; Invitae). This suggests that this residue is clinically significant, and that variants that disrupt this residue are likely to be disease-causing. Advanced modeling of protein sequence and biophysical properties (such as structural, functional, and spatial information, amino acid conservation, physicochemical variation, residue mobility, and thermodynamic stability) performed at Invitae indicates that this missense variant is expected to disrupt VHL protein function. This variant has not been reported in the literature in individuals affected with VHL-related conditions. This variant is not present in population databases (gnomAD no frequency). This sequence change replaces proline, which is neutral and non-polar, with threonine, which is neutral and polar, at codon 154 of the VHL protein (p.Pro154Thr).

Literature cited by the submitters: PubMed 7987306; PubMed 8956040; PubMed 14556007; PubMed 17024664; PubMed 20660572; PubMed 23143947.

NM_000551.4(VHL):c.460C>A (p.Pro154Thr)

Genes: VHL (von Hippel-Lindau tumor suppressor; plus strand), LOC107303340 (3p25 von Hippel-Lindau tumor suppressor, E3 ubiquitin protein ligase Alu-mediated recombination region; plus strand). Cytogenetic location: 3p25.3.
Variant type: single nucleotide variant.
Coding change: c.460C>A on transcript NM_000551.4 (MANE Select); coding-DNA position 460, C replaced by A.
Protein change: p.Pro154Thr; replaces proline 154 with threonine.
Molecular consequence: missense variant. On other transcripts: non-coding transcript variant (1), intron variant (2).
Genome position (GRCh38, 1-based): chr3:10,146,633, C>A. VCF-style: chr3-10146633-C-A. GRCh37 (hg19) VCF-style: chr3-10188317-C-A.
Other names: c.*18-3154C>A (NM_001354723.2); c.341-3154C>A (NM_198156.3); short protein forms P154T.
Identifiers: ClinVar variation 2950212 (VCV002950212.3), dbSNP rs1553619993, ClinGen allele CA351754401.